The following is an entry in ClinVar:

ClinVar aggregate classification (germline): Uncertain significance (1 of 4 stars; one submission).

Conditions:
Hereditary nonpolyposis colorectal neoplasms. Identifiers: MedGen C0009405, MeSH D003123.

Submission:

Labcorp Genetics (formerly Invitae), Labcorp
Classification: Uncertain significance for Hereditary nonpolyposis colorectal neoplasms. Last evaluated: 2022-01-27. Review status: criteria provided, single submitter. Criteria: Invitae Variant Classification Sherloc (09022015). Collection method: clinical testing. Allele origin: germline.
Comment: In summary, the available evidence is currently insufficient to determine the role of this variant in disease. Therefore, it has been classified as a Variant of Uncertain Significance. This sequence change replaces glycine, which is neutral and non-polar, with glutamic acid, which is acidic and polar, at codon 279 of the PMS2 protein (p.Gly279Glu). This variant is not present in population databases (gnomAD no frequency). This variant has not been reported in the literature in individuals affected with PMS2-related conditions. ClinVar contains an entry for this variant (Variation ID: 1063152). Advanced modeling of protein sequence and biophysical properties (such as structural, functional, and spatial information, amino acid conservation, physicochemical variation, residue mobility, and thermodynamic stability) performed at Invitae indicates that this missense variant is not expected to disrupt PMS2 protein function.

NM_000535.7(PMS2):c.836G>A (p.Gly279Glu)

Gene: PMS2 (PMS1 homolog 2, mismatch repair system component; minus strand). Cytogenetic location: 7p22.1.
Variant type: single nucleotide variant.
Coding change: c.836G>A on transcript NM_000535.7 (MANE Select); coding-DNA position 836, G replaced by A.
Protein change: p.Gly279Glu; replaces glycine 279 with glutamic acid.
Molecular consequence: missense variant. On other transcripts: 5 prime UTR variant (2), non-coding transcript variant (1).
Genome position (GRCh38, 1-based): chr7:5,995,601, C>T on the plus strand (G>A on the coding strand, the complement: PMS2 is on the minus strand). VCF-style: chr7-5995601-C-T. GRCh37 (hg19) VCF-style: chr7-6035232-C-T.
Other names: c.431G>A, p.Gly144Glu (NM_001322003.2, NM_001322004.2, NM_001322005.2 and 2 more transcripts); c.836G>A, p.Gly279Glu (NM_001322006.2, NM_001322014.2); c.518G>A, p.Gly173Glu (NM_001322007.2, NM_001322008.2); c.-98G>A (NM_001322011.2, NM_001322012.2); c.263G>A, p.Gly88Glu (NM_001322013.2); c.527G>A, p.Gly176Glu (NM_001322015.2); short protein forms G144E, G173E, G176E, G279E, G88E.
Identifiers: ClinVar variation 1063152 (VCV001063152.9), dbSNP rs587782668, ClinGen allele CA366743519.